The following is an entry in ClinVar:

ClinVar aggregate classification (germline): Uncertain significance (1 of 4 stars; one submission).

Conditions:
Cardiovascular phenotype. Identifiers: MedGen CN230736.
Hereditary cancer-predisposing syndrome. Also called: Neoplastic Syndromes, Hereditary; Tumor predisposition; Hereditary neoplastic syndrome; Hereditary Cancer Syndrome. Identifiers: Orphanet 140162, MedGen C0027672, MeSH D009386, MONDO:0015356.

Submission:

Ambry Genetics
Classification: Uncertain significance for Cardiovascular phenotype; Hereditary cancer-predisposing syndrome. Last evaluated: 2026-09-01. Review status: criteria provided, single submitter. Criteria: Ambry Variant Classification Scheme 2023. Collection method: clinical testing. Allele origin: germline.
Comment: The p.L1147H variant (also known as c.3440T>A), located in coding exon 26 of the NF1 gene, results from a T to A substitution at nucleotide position 3440. The leucine at codon 1147 is replaced by histidine, an amino acid with similar properties. This amino acid position is conserved. In addition, the in silico prediction for this alteration is inconclusive. Based on the available evidence, the clinical significance of this variant remains unclear.

NM_001042492.3(NF1):c.3440T>A (p.Leu1147His)

Gene: NF1 (neurofibromin 1; plus strand). Cytogenetic location: 17q11.2.
Variant type: single nucleotide variant.
Coding change: c.3440T>A on transcript NM_001042492.3 (MANE Select); coding-DNA position 3440, T replaced by A.
Protein change: p.Leu1147His; replaces leucine 1147 with histidine.
Molecular consequence: missense variant.
Genome position (GRCh38, 1-based): chr17:31,232,825, T>A. VCF-style: chr17-31232825-T-A. GRCh37 (hg19) VCF-style: chr17-29559843-T-A.
Other names: c.3440T>A, p.Leu1147His (NM_000267.4); short protein forms L1147H.
Identifiers: ClinVar variation 5025646 (VCV005025646.1).